The following is an entry in ClinVar:

ClinVar aggregate classification (germline): Uncertain significance (1 of 4 stars; one submission).

Conditions:
Hypertrophic cardiomyopathy 25 (CMH25). Also called: CARDIOMYOPATHY, FAMILIAL HYPERTROPHIC, 25. Identifiers: MedGen C4225408, MONDO:0011843, OMIM 607487.
Primary familial hypertrophic cardiomyopathy (HCM). Identifiers: Orphanet 99739, MedGen C0949658, MeSH D024741, MONDO:0024573. Inheritance: Various modes of inheritance.

Submission:

Labcorp Genetics (formerly Invitae), Labcorp
Classification: Uncertain significance for Cardiomyopathy, Dilated, 1N; Primary familial hypertrophic cardiomyopathy. Last evaluated: 2018-09-14. Review status: criteria provided, single submitter. Criteria: Invitae Variant Classification Sherloc (09022015). Collection method: clinical testing. Allele origin: germline.
Comment: This sequence change replaces glutamic acid with valine at codon 115 of the TCAP protein (p.Glu115Val). The glutamic acid residue is moderately conserved and there is a moderate physicochemical difference between glutamic acid and valine. This variant is not present in population databases (ExAC no frequency). This variant has not been reported in the literature in individuals with TCAP-related disease. Algorithms developed to predict the effect of missense changes on protein structure and function are either unavailable or do not agree on the potential impact of this missense change (SIFT: "Deleterious"; PolyPhen-2: "Possibly Damaging"; Align-GVGD: "Class C0"). Algorithms developed to predict the effect of sequence changes on RNA splicing suggest that this variant may create or strengthen a splice site, but this prediction has not been confirmed by published transcriptional studies. In summary, the available evidence is currently insufficient to determine the role of this variant in disease. Therefore, it has been classified as a Variant of Uncertain Significance.

NM_003673.4(TCAP):c.344A>T (p.Glu115Val)

Gene: TCAP (titin-cap; plus strand). Cytogenetic location: 17q12.
Variant type: single nucleotide variant.
Coding change: c.344A>T on transcript NM_003673.4 (MANE Select); coding-DNA position 344, A replaced by T.
Protein change: p.Glu115Val; replaces glutamic acid 115 with valine.
Molecular consequence: missense variant.
Genome position (GRCh38, 1-based): chr17:39,665,949, A>T. VCF-style: chr17-39665949-A-T. GRCh37 (hg19) VCF-style: chr17-37822202-A-T.
Other names: short protein forms E115V.
Identifiers: ClinVar variation 646941 (VCV000646941.1), dbSNP rs1597805658, ClinGen allele CA399305281.